The following is an entry in ClinVar:

NM_000218.3(KCNQ1):c.1087C>A (p.His363Asn)

Gene: KCNQ1 (potassium voltage-gated channel subfamily Q member 1; plus strand). Cytogenetic location: 11p15.5.
Variant type: single nucleotide variant.
Coding change: c.1087C>A on transcript NM_000218.3 (MANE Select); coding-DNA position 1087, C replaced by A.
Protein change: p.His363Asn; replaces histidine 363 with asparagine.
Molecular consequence: missense variant.
Genome position (GRCh38, 1-based): chr11:2,585,266, C>A. VCF-style: chr11-2585266-C-A. GRCh37 (hg19) VCF-style: chr11-2606496-C-A.
Other names: p.H363N:CAC>AAC; c.1087C>A (LRG_287t1); c.817C>A, p.His273Asn (NM_001406837.1); c.706C>A, p.His236Asn (NM_181798.2); short protein forms H363N, H236N, H273N.
Identifiers: ClinVar variation 52954 (VCV000052954.10), dbSNP rs199473408, ClinGen allele CA005231.

ClinVar aggregate classification (germline): Conflicting classifications of pathogenicity. Review status: criteria provided, conflicting classifications (1 of 4 stars). 3 submissions from 3 submitters: Pathogenic (1); Uncertain significance (1). 1 of the submissions does not count toward it. Last evaluated 2021-09-08.

Conditions:
Familial long QT syndrome (RWS). Also called: Congenital long QT syndrome; Romano-Ward syndrome; VENTRICULAR FIBRILLATION WITH PROLONGED QT INTERVAL. Identifiers: Orphanet 768, MedGen C1141890, MONDO:0019171.
Long QT syndrome (LQTS). Identifiers: MedGen C0023976, MeSH D008133, MONDO:0002442. Disease mechanism: loss of function. Inheritance: Various modes of inheritance.

Submissions (3):

Labcorp Genetics (formerly Invitae), Labcorp
Classification: Uncertain significance for Long QT syndrome. Last evaluated: 2021-09-08. Review status: criteria provided, single submitter. Criteria: Invitae Variant Classification Sherloc (09022015). Collection method: clinical testing. Allele origin: germline.
Comment: This sequence change replaces histidine with asparagine at codon 363 of the KCNQ1 protein (p.His363Asn). The histidine residue is highly conserved and there is a small physicochemical difference between histidine and asparagine. This variant is not present in population databases (ExAC no frequency). This missense change has been observed in individual(s) with long QT syndrome (PMID: 19490272, 19862833, 24357532). ClinVar contains an entry for this variant (Variation ID: 52954). Algorithms developed to predict the effect of missense changes on protein structure and function are either unavailable or do not agree on the potential impact of this missense change (SIFT: "Deleterious"; PolyPhen-2: "Probably Damaging"; Align-GVGD: "Class C15"). Experimental studies have shown that this missense change affects KCNQ1 function (PMID: 23861489). In summary, the available evidence is currently insufficient to determine the role of this variant in disease. Therefore, it has been classified as a Variant of Uncertain Significance.

GeneDx
Classification: Pathogenic. Last evaluated: 2013-01-16. Review status: criteria provided, single submitter. Criteria: GeneDx Variant Classification (06012015). Collection method: clinical testing. Allele origin: germline. Affected: yes.
Comment: p.His363Asn (CAC>AAC): c.1087 C>A in exon 8 of the KCNQ1 gene (NM_000218.2). The H363N mutation in the KCNQ1 gene has been reported in individuals with LQTS (Struijk J et al., 2006; Hedley P et al., 2009; Christiansen M et al., 2014). In addition, the H363N mutation was not observed in approximately 6,500 individuals of European and African American ancestry in the NHLBI Exome Sequencing Project, indicating it is not a common benign variant in these populations. H363N results in a semi-conservative amino acid substitution, which may impact secondary protein structure as these residues differ in some properties. Mutations in nearby residues (R360G, R360M, R360T, K362R, N365H) have been reported in association with LQTS, further supporting the functional importance of this region of the protein. The variant is found in LQT panel(s).

Cardiovascular Biomedical Research Unit, Royal Brompton & Harefield NHS Foundation Trust
No classification provided. Condition: Familial long QT syndrome. Review status: no classification provided. Collection method: literature only. Allele origin: germline. Not counted in ClinVar's aggregate classification.
Comment: This variant has been reported as associated with Long QT syndrome in the following publications (PMID:16937190;PMID:19862833). This is a literature report, and does not necessarily reflect the clinical interpretation of the Imperial College / Royal Brompton Cardiovascular Genetics laboratory.

Literature cited by the submitters: PubMed 19490272 (cited by Labcorp Genetics (formerly Invitae), Labcorp); PubMed 19862833 (cited by Labcorp Genetics (formerly Invitae), Labcorp and Cardiovascular Biomedical Research Unit, Royal Brompton & Harefield NHS Foundation Trust); PubMed 24357532 (cited by Labcorp Genetics (formerly Invitae), Labcorp); PubMed 23861489 (cited by Labcorp Genetics (formerly Invitae), Labcorp); PubMed 16937190 (cited by Cardiovascular Biomedical Research Unit, Royal Brompton & Harefield NHS Foundation Trust); PubMed 22581653 (cited by Cardiovascular Biomedical Research Unit, Royal Brompton & Harefield NHS Foundation Trust).